The following is an entry in ClinVar:

ClinVar aggregate classification (germline): Uncertain significance (1 of 4 stars; one submission).

Conditions:
Breast-ovarian cancer, familial, susceptibility to, 2 (BROVCA2). Also called: BRCA2 Hereditary Breast and Ovarian Cancer. Identifiers: Orphanet 145, MedGen C2675520, MONDO:0012933, OMIM 612555. Disease mechanism: loss of function.

Submission:

All of Us Research Program, National Institutes of Health
Classification: Uncertain significance for Breast-ovarian cancer, familial, susceptibility to, 2. Last evaluated: 2023-11-16. Review status: criteria provided, single submitter. Criteria: ACMG Guidelines, 2015. Collection method: clinical testing. Allele origin: germline. Inheritance: Autosomal dominant inheritance. Observed: 1 variant allele, 1 heterozygote.
Comment: This study involves interpretation of variants in research participants for the purpose of population health screening. Participant phenotype was not available at the time of variant classification. Additional details can be found in publication PMID: 35346344, PMCID: PMC8962531

NM_000059.4(BRCA2):c.3419_3421del (p.Ser1140del)

Gene: BRCA2 (BRCA2 DNA repair associated; plus strand). Cytogenetic location: 13q13.1.
Variant type: Deletion.
Coding change: c.3419_3421del on transcript NM_000059.4 (MANE Select); coding-DNA positions 3419 to 3421, 3 bases deleted (GTA; older notation c.3419_3421delGTA).
Protein change: p.Ser1140del; deletes serine 1140.
Molecular consequence: inframe deletion. On other transcripts: non-coding transcript variant (1), intron variant (2).
Genome position (GRCh38, 1-based): chr13:32,337,774-32,337,776, GTA deleted; deleting any 3 consecutive bases within chr13:32,337,773-32,337,776 gives the same sequence; the c. name uses the placement nearest the transcript's 3' end. VCF-style (leftmost placement, unchanged base first): chr13-32337772-GAGT-G. GRCh37 (hg19) VCF-style: chr13-32911909-GAGT-G.
Other names: c.3419_3421del, p.Ser1140del (NM_001406719.1, NM_001406720.1); c.1909+4387_1909+4389del (NM_001406721.1); c.424+6744_424+6746del (NM_001406722.1); short protein forms S1140del.
Identifiers: ClinVar variation 3073868 (VCV003073868.1), dbSNP rs2548525912, ClinGen allele CA2825002127.